The following is an entry in ClinVar:

ClinVar aggregate classification (germline): Uncertain significance (1 of 4 stars; one submission).

Conditions:
Rhabdoid tumor predisposition syndrome 2 (RTPS2). Identifiers: Orphanet 231108, Orphanet 69077, MedGen C2750074, MONDO:0013224, OMIM 613325.

Submission:

Labcorp Genetics (formerly Invitae), Labcorp
Classification: Uncertain significance for Rhabdoid tumor predisposition syndrome 2. Last evaluated: 2023-05-04. Review status: criteria provided, single submitter. Criteria: Invitae Variant Classification Sherloc (09022015). Collection method: clinical testing. Allele origin: germline.
Comment: In summary, the available evidence is currently insufficient to determine the role of this variant in disease. Therefore, it has been classified as a Variant of Uncertain Significance. Advanced modeling of protein sequence and biophysical properties (such as structural, functional, and spatial information, amino acid conservation, physicochemical variation, residue mobility, and thermodynamic stability) has been performed at Invitae for this missense variant, however the output from this modeling did not meet the statistical confidence thresholds required to predict the impact of this variant on SMARCA4 protein function. This variant has not been reported in the literature in individuals affected with SMARCA4-related conditions. This variant is not present in population databases (gnomAD no frequency). This sequence change replaces glutamic acid, which is acidic and polar, with lysine, which is basic and polar, at codon 1668 of the SMARCA4 protein (p.Glu1668Lys).

NM_003072.5(SMARCA4):c.4906G>A (p.Glu1636Lys)

Gene: SMARCA4 (SWI/SNF related BAF chromatin remodeling complex subunit ATPase 4; plus strand). Cytogenetic location: 19p13.2.
Variant type: single nucleotide variant.
Coding change: c.4906G>A on transcript NM_003072.5 (MANE Select); coding-DNA position 4906, G replaced by A.
Protein change: p.Glu1636Lys; replaces glutamic acid 1636 with lysine.
Molecular consequence: missense variant. On other transcripts: non-coding transcript variant (1).
Genome position (GRCh38, 1-based): chr19:11,060,182, G>A. VCF-style: chr19-11060182-G-A. GRCh37 (hg19) VCF-style: chr19-11170858-G-A.
Other names: c.4906G>A, p.Glu1636Lys (NM_001128844.3); c.4816G>A, p.Glu1606Lys (NM_001128845.2); c.4813G>A, p.Glu1605Lys (NM_001128846.2); c.4807G>A, p.Glu1603Lys (NM_001128847.4, NM_001374457.1); c.4804G>A, p.Glu1602Lys (NM_001128848.2); c.5002G>A, p.Glu1668Lys (NM_001128849.3, NM_001387283.1); c.4903G>A, p.Glu1635Lys (NM_001411150.1); short protein forms E1606K, E1668K, E1602K, E1603K, E1635K, E1636K, E1605K.
Identifiers: ClinVar variation 2861975 (VCV002861975.3), dbSNP rs2147127213, ClinGen allele CA404081003.